The following is an entry in ClinVar:

NM_005419.4(STAT2):c.782+3G>A

Gene: STAT2 (signal transducer and activator of transcription 2; minus strand). Cytogenetic location: 12q13.3.
Variant type: single nucleotide variant.
Coding change: c.782+3G>A on transcript NM_005419.4 (MANE Select); 3 bases into the intron after coding-DNA position 782, G replaced by A.
Molecular consequence: intron variant.
Genome position (GRCh38, 1-based): chr12:56,354,463, C>T on the plus strand (G>A on the coding strand, the complement: STAT2 is on the minus strand). VCF-style: chr12-56354463-C-T. GRCh37 (hg19) VCF-style: chr12-56748247-C-T.
Other names: c.770+3G>A (NM_001385110.1, NM_001385115.1, NM_198332.2); c.782+3G>A (NM_001385114.1, NM_001385111.1, NM_001385113.1).
Identifiers: ClinVar variation 2165241 (VCV002165241.2), dbSNP rs769638627, ClinGen allele CA6630766.

ClinVar aggregate classification (germline): Uncertain significance (1 of 4 stars; one submission).

Conditions:
Primary immunodeficiency with post-measles-mumps-rubella vaccine viral infection. Also called: Immunodeficiency 44. Identifiers: Orphanet 431166, MedGen C4225260, MONDO:0014715, OMIM 616636.

Allele frequency attached by ClinVar (database versions not stated): gnomAD 0.00001; gnomAD exomes 0.00001; ExAC 0.00002; TOPMed 0.00002.
gnomAD v4.1: 24 of 1,613,968 alleles (0.0015%); highest among the groups gnomAD compares: Non-Finnish European, 0.0018%; no homozygotes.

Submission:

Labcorp Genetics (formerly Invitae), Labcorp
Classification: Uncertain significance for Primary immunodeficiency with post-measles-mumps-rubella vaccine viral infection. Last evaluated: 2022-03-14. Review status: criteria provided, single submitter. Criteria: Invitae Variant Classification Sherloc (09022015). Collection method: clinical testing. Allele origin: germline.
Comment: In summary, the available evidence is currently insufficient to determine the role of this variant in disease. Therefore, it has been classified as a Variant of Uncertain Significance. Variants that disrupt the consensus splice site are a relatively common cause of aberrant splicing (PMID: 17576681, 9536098). Algorithms developed to predict the effect of sequence changes on RNA splicing suggest that this variant may disrupt the consensus splice site. This variant has not been reported in the literature in individuals affected with STAT2-related conditions. This variant is present in population databases (rs769638627, gnomAD 0.002%). This sequence change falls in intron 8 of the STAT2 gene. It does not directly change the encoded amino acid sequence of the STAT2 protein. It affects a nucleotide within the consensus splice site.

Literature cited by the submitters: PubMed 17576681; PubMed 9536098.